The following is an entry in ClinVar:

ClinVar aggregate classification (germline): Uncertain significance (1 of 4 stars; one submission).

Submission:

Ambry Genetics
Classification: Uncertain significance. Last evaluated: 2023-04-14. Review status: criteria provided, single submitter. Criteria: Ambry Variant Classification Scheme 2023. Collection method: clinical testing. Allele origin: germline.
Comment: The p.A823G variant (also known as c.2468C>G), located in coding exon 13 of the NPAT gene, results from a C to G substitution at nucleotide position 2468. The alanine at codon 823 is replaced by glycine, an amino acid with similar properties. This amino acid position is conserved. In addition, this alteration is predicted to be tolerated by in silico analysis. Since supporting evidence is limited at this time, the clinical significance of this alteration remains unclear.

NM_002519.3(NPAT):c.2468C>G (p.Ala823Gly)

Gene: NPAT (nuclear protein, coactivator of histone transcription; minus strand). Cytogenetic location: 11q22.3.
Variant type: single nucleotide variant.
Coding change: c.2468C>G on transcript NM_002519.3 (MANE Select); coding-DNA position 2468, C replaced by G.
Protein change: p.Ala823Gly; replaces alanine 823 with glycine.
Molecular consequence: missense variant.
Genome position (GRCh38, 1-based): chr11:108,172,516, G>C on the plus strand (C>G on the coding strand, the complement: NPAT is on the minus strand). VCF-style: chr11-108172516-G-C. GRCh37 (hg19) VCF-style: chr11-108043243-G-C.
Other names: c.2468C>G, p.Ala823Gly (NM_001321307.1); short protein forms A823G.
Identifiers: ClinVar variation 2567975 (VCV002567975.2), dbSNP rs2496717094, ClinGen allele CA382512915.